The following is an entry in ClinVar:

ClinVar aggregate classification (germline): Uncertain significance (1 of 4 stars; one submission).

Submission:

GeneDx
Classification: Uncertain significance. Last evaluated: 2023-03-22. Review status: criteria provided, single submitter. Criteria: GeneDx Variant Classification Process June 2021. Collection method: clinical testing. Allele origin: germline. Affected: yes.
Comment: Located in the A-band region of TTN in which the majority of loss of function variants have been associated with autosomal dominant titinopathies (Herman et al., 2012); Not observed at significant frequency in large population cohorts (gnomAD); Missense variant in a gene in which most reported pathogenic variants are truncating/loss of function; Has not been previously published as pathogenic or benign to our knowledge

NM_001267550.2(TTN):c.97631A>C (p.Asp32544Ala)

Genes: TTN (titin; minus strand), TTN-AS1 (TTN antisense RNA 1; plus strand). Cytogenetic location: 2q31.2.
Variant type: single nucleotide variant.
Coding change: c.97631A>C on transcript NM_001267550.2 (MANE Select); coding-DNA position 97631, A replaced by C.
Protein change: p.Asp32544Ala; replaces aspartic acid 32544 with alanine.
Molecular consequence: missense variant.
Genome position (GRCh38, 1-based): chr2:178,541,446, T>G on the plus strand (A>C on the coding strand, the complement: TTN is on the minus strand). VCF-style: chr2-178541446-T-G. GRCh37 (hg19) VCF-style: chr2-179406173-T-G.
Other names: c.92708A>C, p.Asp30903Ala (NM_001256850.1); c.70436A>C, p.Asp23479Ala (NM_003319.4); c.89927A>C, p.Asp29976Ala (NM_133378.4); c.70811A>C, p.Asp23604Ala (NM_133432.3); c.71012A>C, p.Asp23671Ala (NM_133437.4); short protein forms D23479A, D23604A, D23671A, D29976A, D30903A, D32544A.
Identifiers: ClinVar variation 2580421 (VCV002580421.1), dbSNP rs2468846840, ClinGen allele CA349437112.